The following is an entry in ClinVar:

NM_001123385.2(BCOR):c.1641_1661del (p.Met547_Val553del)

Gene: BCOR (BCL6 corepressor; minus strand). Cytogenetic location: Xp11.4.
Variant type: Deletion.
Coding change: c.1641_1661del on transcript NM_001123385.2 (MANE Select); coding-DNA positions 1641 to 1661, 21 bases deleted (GGGCGGCACCGATGCTGTCAT).
Protein change: p.Met547_Val553del.
Molecular consequence: inframe deletion.
Genome position (GRCh38, 1-based): chrX:40,073,685-40,073,705, ATGACAGCATCGGTGCCGCCC deleted on the plus strand (GGGCGGCACCGATGCTGTCAT on the coding strand, the reverse complement: BCOR is on the minus strand); deleting any 21 consecutive bases within chrX:40,073,685-40,073,708 gives the same sequence; the c. name uses the placement nearest the transcript's 3' end. VCF-style (leftmost placement, unchanged base first): chrX-40073684-GATGACAGCATCGGTGCCGCCC-G. GRCh37 (hg19) VCF-style: chrX-39932937-GATGACAGCATCGGTGCCGCCC-G.
Other names: c.1641_1661del, p.Met547_Val553del (NM_001123383.2, NM_001123384.2, NM_001437510.1 and 4 more transcripts).
Identifiers: ClinVar variation 5007558 (VCV005007558.2).

ClinVar aggregate classification (germline): Uncertain significance (1 of 4 stars; one submission).

Conditions:
Oculofaciocardiodental syndrome (MCOPS2). Identifiers: Orphanet 2712, MedGen C1846265, MONDO:0010261, OMIM 300166.

Submission:

Juno Genomics, Hangzhou Juno Genomics, Inc
Classification: Uncertain significance for Oculofaciocardiodental syndrome. Review status: criteria provided, single submitter. Criteria: ACMG Guidelines, 2015. Collection method: clinical testing. Allele origin: germline.
Comment: Absent from controls (or at extremely low frequency if recessive) in Genome Aggregation Database.;Protein length changes due to in-frame deletions/insertions in a non-repeat region or stop-loss variants.